The following is an entry in ClinVar:

ClinVar aggregate classification (germline): Uncertain significance. Review status: criteria provided, multiple submitters, no conflicts (2 of 4 stars). 2 submissions from 2 submitters: Uncertain significance (2). Last evaluated 2024-04-16.

Conditions:
Osteogenesis imperfecta type I (OI1). Also called: OI, TYPE I; OSTEOGENESIS IMPERFECTA TARDA; OSTEOGENESIS IMPERFECTA WITH BLUE SCLERAE; Osteogenesis imperfecta type 1; Classic Non-deforming Osteogenesis Imperfecta with Blue Sclerae; Lobstein's Disease. Identifiers: Orphanet 216796, Orphanet 666, MedGen C0023931, MONDO:0008146, OMIM 166200. Disease mechanism: loss of function.
Ehlers-Danlos syndrome, classic type, 1 (EDSCL1). Also called: EHLERS-DANLOS SYNDROME, GRAVIS TYPE; EHLERS-DANLOS SYNDROME, SEVERE CLASSIC TYPE; EDS I; Ehlers-Danlos Syndrome, Classic Type, COL5A1-Related; Ehlers-Danlos syndrome, type 1. Identifiers: MedGen C0268335, MONDO:0019567, OMIM 130000.

Allele frequency attached by ClinVar (database versions not stated): gnomAD exomes 0.00001 and below 0.00001; ExAC below 0.00001.

Submissions (2):

GeneDx
Classification: Uncertain significance. Last evaluated: 2024-04-16. Review status: criteria provided, single submitter. Criteria: GeneDx Variant Classification Process June 2021. Collection method: clinical testing. Allele origin: germline. Affected: yes.
Comment: Not observed at significant frequency in large population cohorts (gnomAD); In silico analysis indicates that this missense variant does not alter protein structure/function; Has not been previously published as pathogenic or benign to our knowledge; Occurs in the triple helical domain at the Y position in the canonical Gly-X-Y repeat; although this variant may have an effect on normal protein folding and function, missense substitution at the Y position is not a common mechanism of disease (HGMD)

Labcorp Genetics (formerly Invitae), Labcorp
Classification: Uncertain significance for Osteogenesis imperfecta type I; Ehlers-Danlos syndrome, classic type, 1. Last evaluated: 2023-12-10. Review status: criteria provided, single submitter. Criteria: Invitae Variant Classification Sherloc (09022015). Collection method: clinical testing. Allele origin: germline.
Comment: This sequence change replaces alanine, which is neutral and non-polar, with proline, which is neutral and non-polar, at codon 390 of the COL1A2 protein (p.Ala390Pro). This variant is not present in population databases (gnomAD no frequency). This variant has not been reported in the literature in individuals affected with COL1A2-related conditions. ClinVar contains an entry for this variant (Variation ID: 1044711). Advanced modeling of protein sequence and biophysical properties (such as structural, functional, and spatial information, amino acid conservation, physicochemical variation, residue mobility, and thermodynamic stability) performed at Invitae indicates that this missense variant is not expected to disrupt COL1A2 protein function with a negative predictive value of 95%. In summary, the available evidence is currently insufficient to determine the role of this variant in disease. Therefore, it has been classified as a Variant of Uncertain Significance.

NM_000089.4(COL1A2):c.1168G>C (p.Ala390Pro)

Gene: COL1A2 (collagen type I alpha 2 chain; plus strand). Cytogenetic location: 7q21.3.
Variant type: single nucleotide variant.
Coding change: c.1168G>C on transcript NM_000089.4 (MANE Select); coding-DNA position 1168, G replaced by C.
Protein change: p.Ala390Pro; replaces alanine 390 with proline.
Molecular consequence: missense variant.
Genome position (GRCh38, 1-based): chr7:94,410,498, G>C. VCF-style: chr7-94410498-G-C. GRCh37 (hg19) VCF-style: chr7-94039810-G-C.
Other names: c.1168G>C (NM_000089.3); short protein forms A390P.
Identifiers: ClinVar variation 1044711 (VCV001044711.11), dbSNP rs763560185, ClinGen allele CA4346945.